The following is an entry in ClinVar:

ClinVar aggregate classification (germline): Uncertain significance. Review status: criteria provided, single submitter (1 of 4 stars). 2 submissions from 2 submitters: Uncertain significance (1). 1 of the submissions does not count toward it. Last evaluated 2021-07-20.

Conditions:
FMN2-related disorder. Also called: FMN2-related condition.
Inborn genetic diseases. Identifiers: MedGen C0950123, MeSH D030342.

Allele frequency attached by ClinVar (database versions not stated): 1000 Genomes Project 30x 0.00016; 1000 Genomes Project 0.00020; gnomAD 0.00050; ExAC 0.00053; ESP Exome Variant Server 0.00062; TOPMed 0.00062.
gnomAD v4.1: 903 of 1,605,170 alleles (0.056%); highest among the groups gnomAD compares: Middle Eastern, 0.23%; 1 homozygote.

Submissions (2):

Ambry Genetics
Classification: Uncertain significance for Inborn genetic diseases. Last evaluated: 2021-07-20. Review status: criteria provided, single submitter. Criteria: Ambry Variant Classification Scheme 2023. Collection method: clinical testing. Allele origin: germline.

PreventionGenetics, part of Exact Sciences
Classification: Likely benign for FMN2-related condition. Last evaluated: 2019-05-31. Review status: no assertion criteria provided. Collection method: clinical testing. Allele origin: germline. Not counted in ClinVar's aggregate classification.
Comment: This variant is classified as likely benign based on ACMG/AMP sequence variant interpretation guidelines (Richards et al. 2015 PMID: 25741868, with internal and published modifications).

NM_020066.5(FMN2):c.1372G>A (p.Ala458Thr)

Gene: FMN2 (formin 2; plus strand). Cytogenetic location: 1q43.
Variant type: single nucleotide variant.
Coding change: c.1372G>A on transcript NM_020066.5 (MANE Select); coding-DNA position 1372, G replaced by A.
Protein change: p.Ala458Thr; replaces alanine 458 with threonine.
Molecular consequence: missense variant.
Genome position (GRCh38, 1-based): chr1:240,093,481, G>A. VCF-style: chr1-240093481-G-A. GRCh37 (hg19) VCF-style: chr1-240256781-G-A.
Other names: c.1372G>A, p.Ala458Thr (NM_001305424.2, NM_001348094.2); short protein forms A458T.
Identifiers: ClinVar variation 2388646 (VCV002388646.4), dbSNP rs142335257, ClinGen allele CA1476313.